The following is an entry in ClinVar:

ClinVar aggregate classification (germline): Uncertain significance. Review status: criteria provided, multiple submitters, no conflicts (2 of 4 stars). 2 submissions from 2 submitters: Uncertain significance (2). Last evaluated 2024-04-01.

Conditions:
Alstrom syndrome (ALMS). Identifiers: Orphanet 64, MedGen C0268425, MONDO:0008763, OMIM 203800.
Cardiovascular phenotype. Identifiers: MedGen CN230736.

Allele frequency attached by ClinVar (database versions not stated): gnomAD exomes below 0.00001; ExAC 0.00002; gnomAD 0.00002; 1000 Genomes Project 0.00020; 1000 Genomes Project 30x 0.00031.
gnomAD v4.1: 10 of 1,614,020 alleles (0.00062%); highest among the groups gnomAD compares: East Asian, 0.02%; no homozygotes.

Submissions (2):

Ambry Genetics
Classification: Uncertain significance for Cardiovascular phenotype. Last evaluated: 2024-04-01. Review status: criteria provided, single submitter. Criteria: Ambry Variant Classification Scheme 2023. Collection method: clinical testing. Allele origin: germline.
Comment: The p.T1763A variant (also known as c.5287A>G), located in coding exon 8 of the ALMS1 gene, results from an A to G substitution at nucleotide position 5287. The threonine at codon 1763 is replaced by alanine, an amino acid with similar properties. This amino acid position is poorly conserved in available vertebrate species. In addition, this alteration is predicted to be tolerated by in silico analysis. Based on the available evidence, the clinical significance of this alteration remains unclear.

Labcorp Genetics (formerly Invitae), Labcorp
Classification: Uncertain significance for Alstrom syndrome. Last evaluated: 2022-06-06. Review status: criteria provided, single submitter. Criteria: Invitae Variant Classification Sherloc (09022015). Collection method: clinical testing. Allele origin: germline.
Comment: This sequence change replaces threonine, which is neutral and polar, with alanine, which is neutral and non-polar, at codon 1763 of the ALMS1 protein (p.Thr1763Ala). This variant is present in population databases (rs545349239, gnomAD 0.03%). This variant has not been reported in the literature in individuals affected with ALMS1-related conditions. Experimental studies and prediction algorithms are not available or were not evaluated, and the functional significance of this variant is currently unknown. In summary, the available evidence is currently insufficient to determine the role of this variant in disease. Therefore, it has been classified as a Variant of Uncertain Significance.

NM_001378454.1(ALMS1):c.5284A>G (p.Thr1762Ala)

Gene: ALMS1 (ALMS1 centrosome and basal body associated protein; plus strand). Cytogenetic location: 2p13.1.
Variant type: single nucleotide variant.
Coding change: c.5284A>G on transcript NM_001378454.1 (MANE Select); coding-DNA position 5284, A replaced by G.
Protein change: p.Thr1762Ala; replaces threonine 1762 with alanine.
Molecular consequence: missense variant.
Genome position (GRCh38, 1-based): chr2:73,451,811, A>G. VCF-style: chr2-73451811-A-G. GRCh37 (hg19) VCF-style: chr2-73678938-A-G.
Other names: c.5287A>G, p.Thr1763Ala (NM_015120.4); short protein forms T1763A, T1762A.
Identifiers: ClinVar variation 2077317 (VCV002077317.2), dbSNP rs545349239, ClinGen allele CA1713857.
Genomic context (GRCh38, chr2:73,451,811, plus strand): 5'-CCTCAACCAGCTGACCAGAAGACTGGGTTATCTACTGTAACTTCCTCTTTCTATTCACAT[A>G]CAGAGAAGCCTAATATTTCTTACCAGCAAGAGTTGCCAGATAGTCATCTAACTGAAGAGG-3'
Protein context (NP_001365383.1, residues 1752-1772): STVTSSFYSH[Thr1762Ala]EKPNISYQQE